The following is an entry in ClinVar:

NM_006269.2(RP1):c.3682_3685del (p.Arg1228fs)

Gene: RP1 (RP1 axonemal microtubule associated; plus strand). Cytogenetic location: 8q12.1.
Variant type: Deletion.
Coding change: c.3682_3685del on transcript NM_006269.2 (MANE Select); coding-DNA positions 3682 to 3685, 4 bases deleted (AGAA; older notation c.3682_3685delAGAA).
Protein change: p.Arg1228fs; shifts the reading frame from arginine 1228.
Molecular consequence: frameshift variant. On other transcripts: intron variant (1).
Genome position (GRCh38, 1-based): chr8:54,627,564-54,627,567, AGAA deleted; deleting any 4 consecutive bases within chr8:54,627,561-54,627,567 gives the same sequence; the c. name uses the placement nearest the transcript's 3' end. VCF-style (leftmost placement, unchanged base first): chr8-54627560-TGAAA-T. GRCh37 (hg19) VCF-style: chr8-55540120-TGAAA-T.
Other names: c.787+5276_787+5279del (NM_001375654.1); short protein forms R1228fs.
Identifiers: ClinVar variation 3721851 (VCV003721851.2).

ClinVar aggregate classification (germline): Pathogenic (1 of 4 stars; one submission).

Submission:

Labcorp Genetics (formerly Invitae), Labcorp
Classification: Pathogenic. Last evaluated: 2025-02-05. Review status: criteria provided, single submitter. Criteria: Invitae Variant Classification Sherloc (09022015). Collection method: clinical testing. Allele origin: germline.
Comment: This sequence change creates a premature translational stop signal (p.Arg1228Hisfs*26) in the RP1 gene. While this is not anticipated to result in nonsense mediated decay, it is expected to disrupt the last 929 amino acid(s) of the RP1 protein. This variant is not present in population databases (gnomAD no frequency). This variant has not been reported in the literature in individuals affected with RP1-related conditions. This variant disrupts the C-terminus of the RP1 protein. Many variants that disrupt this region have been reported in individuals with either autosomal dominant or autosomal recessive retinitis pigmentosa (PMID: 11527933, 19933189, 29425069, 30027431, 33681214). Therefore, variants that disrupt this region are expected to be disease-causing. For these reasons, this variant has been classified as Pathogenic.

Literature cited by the submitters: PubMed 11527933; PubMed 19933189; PubMed 29425069; PubMed 30027431; PubMed 33681214.